The following is an entry in ClinVar:

NM_000321.3(RB1):c.2517C>A (p.Phe839Leu)

Gene: RB1 (RB transcriptional corepressor 1; plus strand). Cytogenetic location: 13q14.2.
Variant type: single nucleotide variant.
Coding change: c.2517C>A on transcript NM_000321.3 (MANE Select); coding-DNA position 2517, C replaced by A.
Protein change: p.Phe839Leu; replaces phenylalanine 839 with leucine.
Molecular consequence: missense variant.
Genome position (GRCh38, 1-based): chr13:48,473,387, C>A. VCF-style: chr13-48473387-C-A. GRCh37 (hg19) VCF-style: chr13-49047523-C-A.
Other names: c.2517C>A, p.Phe839Leu (NM_001407165.1); short protein forms F839L.
Identifiers: ClinVar variation 3387577 (VCV003387577.2).

ClinVar aggregate classification (germline): Uncertain significance. Review status: criteria provided, multiple submitters, no conflicts (2 of 4 stars). 2 submissions from 2 submitters: Uncertain significance (2). Last evaluated 2025-11-09.

Conditions:
Retinoblastoma (RB1). Also called: RETINOBLASTOMA, SOMATIC. Identifiers: Orphanet 790, MedGen C0035335, MeSH D012175, MONDO:0008380, OMIM 180200, HP:0009919. Disease mechanism: loss of function. Inheritance: Both sporadic and heritable forms are tested..

gnomAD v4.1: 1 of 1,562,270 alleles (0.000064%); highest among the groups gnomAD compares: Non-Finnish European, 0.000088%; no homozygotes.

Submissions (2):

Labcorp Genetics (formerly Invitae), Labcorp
Classification: Uncertain significance for Retinoblastoma. Last evaluated: 2025-11-09. Review status: criteria provided, single submitter. Criteria: Invitae Variant Classification Sherloc (09022015). Collection method: clinical testing. Allele origin: germline.
Comment: This sequence change replaces phenylalanine, which is neutral and non-polar, with leucine, which is neutral and non-polar, at codon 839 of the RB1 protein (p.Phe839Leu). This variant is not present in population databases (gnomAD no frequency). This variant has not been reported in the literature in individuals affected with RB1-related conditions. ClinVar contains an entry for this variant (Variation ID: 3387577). Invitae Evidence Modeling of protein sequence and biophysical properties (such as structural, functional, and spatial information, amino acid conservation, physicochemical variation, residue mobility, and thermodynamic stability) has been performed for this missense variant. However, the output from this modeling did not meet the statistical confidence thresholds required to predict the impact of this variant on RB1 protein function. RNA analysis performed to evaluate the impact of this missense change on mRNA splicing indicates it does not significantly alter splicing (internal data). In summary, the available evidence is currently insufficient to determine the role of this variant in disease. Therefore, it has been classified as a Variant of Uncertain Significance.

All of Us Research Program, National Institutes of Health
Classification: Uncertain significance for Retinoblastoma. Last evaluated: 2024-03-24. Review status: criteria provided, single submitter. Criteria: ACMG Guidelines, 2015. Collection method: clinical testing. Allele origin: germline. Inheritance: Autosomal dominant inheritance. Observed: 1 variant allele, 1 heterozygote.
Comment: This missense variant replaces phenylalanine with leucine at codon 839 of the RB1 protein. Computational prediction suggests that this variant may have deleterious impact on protein structure and function. To our knowledge, functional studies have not been reported for this variant. This variant has not been reported in individuals affected with RB1-related disorders in the literature. This variant has not been identified in the general population by the Genome Aggregation Database (gnomAD). The available evidence is insufficient to determine the role of this variant in disease conclusively. Therefore, this variant is classified as a Variant of Uncertain Significance.

This study involves interpretation of variants in research participants for the purpose of population health screening. Participant phenotype was not available at the time of variant classification. Additional details can be found in publication PMID: 35346344, PMCID: PMC8962531